The following is an entry in ClinVar:

ClinVar aggregate classification (germline): Uncertain significance (1 of 4 stars; one submission).

gnomAD v4.1: 11 of 1,614,058 alleles (0.00068%); highest among the groups gnomAD compares: South Asian, 0.0033%; no homozygotes.

Submission:

GeneDx
Classification: Uncertain significance. Last evaluated: 2022-03-16. Review status: criteria provided, single submitter. Criteria: GeneDx Variant Classification Process June 2021. Collection method: clinical testing. Allele origin: germline. Affected: yes.
Comment: Not observed at significant frequency in large population cohorts (gnomAD); In silico analysis supports that this missense variant does not alter protein structure/function; Has not been previously published as pathogenic or benign to our knowledge

NM_014208.3(DSPP):c.512G>T (p.Gly171Val)

Genes: DMP1-AS1 (DMP1 and DSPP antisense RNA 1; minus strand), DSPP (dentin sialophosphoprotein; plus strand). Cytogenetic location: 4q22.1.
Variant type: single nucleotide variant.
Coding change: c.512G>T on transcript NM_014208.3 (MANE Select); coding-DNA position 512, G replaced by T.
Protein change: p.Gly171Val; replaces glycine 171 with valine.
Molecular consequence: missense variant.
Genome position (GRCh38, 1-based): chr4:87,612,698, G>T. VCF-style: chr4-87612698-G-T. GRCh37 (hg19) VCF-style: chr4-88533850-G-T.
Other names: short protein forms G171V.
Identifiers: ClinVar variation 1706187 (VCV001706187.2), dbSNP rs370969954, ClinGen allele CA357603736.
Genomic context (GRCh38, chr4:87,612,698, plus strand): 5'-GAAGCAACACTAATGGAAATACTGATAAGAATACCCAAAATGGGGATGTTGGCGATGCAG[G>T]TCACAATGAGGATGTCGCTGTTGTCCAAGAAGATGGACCTCAAGTAGCTGGAAGCAATAA-3'
Protein context (NP_055023.2, residues 161-181): NTQNGDVGDA[Gly171Val]HNEDVAVVQE